The following is an entry in ClinVar:

NM_004523.4(KIF11):c.388-2A>T

Gene: KIF11 (kinesin family member 11; plus strand). Cytogenetic location: 10q23.33.
Variant type: single nucleotide variant.
Coding change: c.388-2A>T on transcript NM_004523.4 (MANE Select); the canonical splice acceptor site of the intron before coding-DNA position 388, A replaced by T.
Molecular consequence: splice acceptor variant.
Genome position (GRCh38, 1-based): chr10:92,609,018, A>T. VCF-style: chr10-92609018-A-T. GRCh37 (hg19) VCF-style: chr10-94368775-A-T.
Identifiers: ClinVar variation 1068438 (VCV001068438.9), dbSNP rs2135902386, ClinGen allele CA377589213.
Genomic context (GRCh38, chr10:92,609,018, plus strand): 5'-GTATTTTAACTGCCACAGTAAATGGCATTCTTCCTTTATATTAGTCCTTATTATAATTTC[A>T]GGATCCCTTGGCTGGTATAATTCCACGTACCCTTCATCAAATTTTTGAGAAACTTACTGA-3'

ClinVar aggregate classification (germline): Pathogenic (1 of 4 stars; one submission).

Submission:

Labcorp Genetics (formerly Invitae), Labcorp
Classification: Pathogenic. Last evaluated: 2023-10-19. Review status: criteria provided, single submitter. Criteria: Invitae Variant Classification Sherloc (09022015). Collection method: clinical testing. Allele origin: germline.
Comment: This sequence change affects an acceptor splice site in intron 4 of the KIF11 gene. It is expected to disrupt RNA splicing. Variants that disrupt the donor or acceptor splice site typically lead to a loss of protein function (PMID: 16199547), and loss-of-function variants in KIF11 are known to be pathogenic (PMID: 22284827, 24281367). This variant is not present in population databases (gnomAD no frequency). Disruption of this splice site has been observed in individual(s) with clinical features of KIF11-related conditions (Invitae). In at least one individual the variant was observed to be de novo. ClinVar contains an entry for this variant (Variation ID: 1068438). Algorithms developed to predict the effect of sequence changes on RNA splicing suggest that this variant may disrupt the consensus splice site. For these reasons, this variant has been classified as Pathogenic.

Literature cited by the submitters: PubMed 16199547; PubMed 22284827; PubMed 24281367.